The following is an entry in ClinVar:

NM_001377.3(DYNC2H1):c.3427G>T (p.Glu1143Ter)

Gene: DYNC2H1 (dynein cytoplasmic 2 heavy chain 1; plus strand). Cytogenetic location: 11q22.3.
Variant type: single nucleotide variant.
Coding change: c.3427G>T on transcript NM_001377.3 (MANE Select); coding-DNA position 3427, G replaced by T.
Protein change: p.Glu1143Ter; replaces glutamic acid 1143 with a stop codon.
Molecular consequence: nonsense.
Genome position (GRCh38, 1-based): chr11:103,154,575, G>T. VCF-style: chr11-103154575-G-T. GRCh37 (hg19) VCF-style: chr11-103025304-G-T.
Other names: c.3427G>T, p.Glu1143Ter (NM_001080463.2); short protein forms E1143*.
Identifiers: ClinVar variation 5014979 (VCV005014979.1).
Genomic context (GRCh38, chr11:103,154,575, plus strand): 5'-GATATCGAGAGCTGTGCCCAAATTTGGGCCTTTTATGAAGAGTTTCAACAAGGATTTCAG[G>T]AAATGGCCAATGAAGACTGGATCACTTTTCGGTTTGATTCAAAAACAATATTTAGACTAA-3'

ClinVar aggregate classification (germline): Pathogenic (1 of 4 stars; one submission).

Conditions:
Asphyxiating thoracic dystrophy 3. Also called: SHORT-RIB THORACIC DYSPLASIA 3 WITH OR WITHOUT POLYDACTYLY; POLYDACTYLY WITH NEONATAL CHONDRODYSTROPHY, TYPE I; SHORT-RIB THORACIC DYSPLASIA 3/6 WITH POLYDACTYLY, DIGENIC; Short rib polydactyly syndrome 2B; Saldino-Noonan Syndrome. Identifiers: Orphanet 474, Orphanet 93269, Orphanet 93270, Orphanet 93271, MedGen C0036069, MONDO:0013127, OMIM 613091.

Submission:

Myriad Genetics, Inc.
Classification: Pathogenic for Asphyxiating thoracic dystrophy 3. Last evaluated: 2025-09-14. Review status: criteria provided, single submitter. Criteria: Myriad Autosomal Dominant, Autosomal Recessive and X-Linked Classification Criteria (2023). Collection method: clinical testing. Allele origin: unknown.
Comment: NM_001377.2(DYNC2H1):c.3427G>T(E1143*) is expected to be pathogenic in the context of DYNC2H1-related disorders. This variant is predicted to lead to an abnormal or absent protein product due to the creation of a premature termination codon in DYNC2H1, a gene where loss-of-function variants are known to be pathogenic. Please note: this variant was assessed in the context of healthy population screening.